The following is an entry in ClinVar:

NM_004006.3(DMD):c.433C>G (p.Arg145Gly)

Gene: DMD (dystrophin; minus strand). Cytogenetic location: Xp21.1.
Variant type: single nucleotide variant.
Coding change: c.433C>G on transcript NM_004006.3 (MANE Select); coding-DNA position 433, C replaced by G.
Protein change: p.Arg145Gly; replaces arginine 145 with glycine.
Molecular consequence: missense variant.
Genome position (GRCh38, 1-based): chrX:32,816,565, G>C on the plus strand (C>G on the coding strand, the complement: DMD is on the minus strand). VCF-style: chrX-32816565-G-C. GRCh37 (hg19) VCF-style: chrX-32834682-G-C.
Other names: c.409C>G, p.Arg137Gly (NM_000109.4); c.421C>G, p.Arg141Gly (NM_004009.3); c.64C>G, p.Arg22Gly (NM_004010.3); short protein forms R137G, R141G, R145G, R22G.
Identifiers: ClinVar variation 1056985 (VCV001056985.9), dbSNP rs128626235, ClinGen allele CA412674225.

ClinVar aggregate classification (germline): Uncertain significance (1 of 4 stars; one submission).

Conditions:
Duchenne muscular dystrophy (DMD). Also called: MUSCULAR DYSTROPHY, PSEUDOHYPERTROPHIC PROGRESSIVE, DUCHENNE TYPE; Duchenne Muscular Dystrophy (DMD). Identifiers: Orphanet 98896, MedGen C0013264, MONDO:0010679, OMIM 310200.

Submission:

Labcorp Genetics (formerly Invitae), Labcorp
Classification: Uncertain significance for Duchenne muscular dystrophy. Last evaluated: 2020-07-16. Review status: criteria provided, single submitter. Criteria: Invitae Variant Classification Sherloc (09022015). Collection method: clinical testing. Allele origin: germline.
Comment: This variant has not been reported in the literature in individuals with DMD-related conditions. Algorithms developed to predict the effect of missense changes on protein structure and function (SIFT, PolyPhen-2, Align-GVGD) all suggest that this variant is likely to be disruptive, but these predictions have not been confirmed by published functional studies and their clinical significance is uncertain. In summary, the available evidence is currently insufficient to determine the role of this variant in disease. Therefore, it has been classified as a Variant of Uncertain Significance. This variant is not present in population databases (ExAC no frequency). This sequence change replaces arginine with glycine at codon 145 of the DMD protein (p.Arg145Gly). The arginine residue is highly conserved and there is a moderate physicochemical difference between arginine and glycine.